The following is an entry in ClinVar:

ClinVar aggregate classification (germline): Uncertain significance. Review status: criteria provided, multiple submitters, no conflicts (2 of 4 stars). 2 submissions from 2 submitters: Uncertain significance (2). Last evaluated 2024-04-24.

Conditions:
Paragangliomas with sensorineural hearing loss. Identifiers: MedGen C1868633.
Pheochromocytoma. Also called: MAX-Related Hereditary Paraganglioma-Pheochromocytoma Syndrome. Identifiers: Orphanet 29072, MedGen C0031511, MONDO:0008233, OMIM 171300, HP:0002666.
Cowden syndrome 3 (CWS3). Identifiers: Orphanet 201, MedGen CN166604, MONDO:0014045.
Carney-Stratakis syndrome. Also called: PARAGANGLIOMA AND GASTROINTESTINAL STROMAL TUMOR. Identifiers: Orphanet 97286, MedGen C1847319, MONDO:0011740, OMIM 606864.
Hereditary cancer-predisposing syndrome. Also called: Tumor predisposition; Hereditary neoplastic syndrome; Neoplastic Syndromes, Hereditary; Hereditary Cancer Syndrome. Identifiers: Orphanet 140162, MedGen C0027672, MeSH D009386, MONDO:0015356.

Submissions (2):

Labcorp Genetics (formerly Invitae), Labcorp
Classification: Uncertain significance for Carney-Stratakis syndrome; Paragangliomas with sensorineural hearing loss; Pheochromocytoma; Cowden syndrome 3. Last evaluated: 2024-04-24. Review status: criteria provided, single submitter. Criteria: Invitae Variant Classification Sherloc (09022015). Collection method: clinical testing. Allele origin: germline.
Comment: This sequence change replaces proline, which is neutral and non-polar, with threonine, which is neutral and polar, at codon 39 of the SDHD protein (p.Pro39Thr). This variant is not present in population databases (gnomAD no frequency). This variant has not been reported in the literature in individuals affected with SDHD-related conditions. ClinVar contains an entry for this variant (Variation ID: 858565). Advanced modeling of protein sequence and biophysical properties (such as structural, functional, and spatial information, amino acid conservation, physicochemical variation, residue mobility, and thermodynamic stability) performed at Invitae indicates that this missense variant is not expected to disrupt SDHD protein function with a negative predictive value of 95%. In summary, the available evidence is currently insufficient to determine the role of this variant in disease. Therefore, it has been classified as a Variant of Uncertain Significance.

Ambry Genetics
Classification: Uncertain significance for Hereditary cancer-predisposing syndrome. Last evaluated: 2024-04-18. Review status: criteria provided, single submitter. Criteria: Ambry Variant Classification Scheme 2023. Collection method: clinical testing. Allele origin: germline.
Comment: The p.P39T variant (also known as c.115C>A), located in coding exon 2 of the SDHD gene, results from a C to A substitution at nucleotide position 115. The proline at codon 39 is replaced by threonine, an amino acid with highly similar properties. This amino acid position is not well conserved in available vertebrate species. In addition, the in silico prediction for this alteration is inconclusive. Since supporting evidence is limited at this time, the clinical significance of this alteration remains unclear.

NM_003002.4(SDHD):c.115C>A (p.Pro39Thr)

Gene: SDHD (succinate dehydrogenase complex subunit D; plus strand). Cytogenetic location: 11q23.1.
Variant type: single nucleotide variant.
Coding change: c.115C>A on transcript NM_003002.4 (MANE Select); coding-DNA position 115, C replaced by A.
Protein change: p.Pro39Thr; replaces proline 39 with threonine.
Molecular consequence: missense variant. On other transcripts: non-coding transcript variant (1), intron variant (1).
Genome position (GRCh38, 1-based): chr11:112,087,919, C>A. VCF-style: chr11-112087919-C-A. GRCh37 (hg19) VCF-style: chr11-111958643-C-A.
Other names: c.115C>A, p.Pro39Thr (NM_001276503.2, NM_001276506.2); c.53-948C>A (NM_001276504.2); short protein forms P39T.
Identifiers: ClinVar variation 858565 (VCV000858565.14), dbSNP rs1043566340, ClinGen allele CA228551109.